The following is an entry in ClinVar:

ClinVar aggregate classification (germline): Uncertain significance (1 of 4 stars; one submission).

Conditions:
Early-infantile DEE. Also called: Early infantile epileptic encephalopathy; Early infantile epileptic encephalopathy with suppression bursts; Ohtahara syndrome. Identifiers: Orphanet 1934, MedGen C0393706, MONDO:0800491.

Allele frequency attached by ClinVar (database versions not stated): ExAC 0.00001; gnomAD 0.00001 and 0.00002; gnomAD exomes 0.00001; TOPMed 0.00003; 1000 Genomes Project 30x 0.00031; 1000 Genomes Project 0.00040.
gnomAD v4.1: 36 of 1,613,994 alleles (0.0022%); highest among the groups gnomAD compares: East Asian, 0.0045%; no homozygotes.

Submission:

Labcorp Genetics (formerly Invitae), Labcorp
Classification: Uncertain significance for Early-infantile DEE. Last evaluated: 2024-04-11. Review status: criteria provided, single submitter. Criteria: Invitae Variant Classification Sherloc (09022015). Collection method: clinical testing. Allele origin: germline.
Comment: This sequence change replaces arginine, which is basic and polar, with histidine, which is basic and polar, at codon 28 of the SCN8A protein (p.Arg28His). This variant is present in population databases (rs531796685, gnomAD 0.003%). This variant has not been reported in the literature in individuals affected with SCN8A-related conditions. ClinVar contains an entry for this variant (Variation ID: 1407272). Advanced modeling of protein sequence and biophysical properties (such as structural, functional, and spatial information, amino acid conservation, physicochemical variation, residue mobility, and thermodynamic stability) performed at Invitae indicates that this missense variant is not expected to disrupt SCN8A protein function with a negative predictive value of 95%. This variant disrupts the p.Arg28 amino acid residue in SCN8A. Other variant(s) that disrupt this residue have been determined to be pathogenic (PMID: 31054490). This suggests that this residue is clinically significant, and that variants that disrupt this residue are likely to be disease-causing. In summary, the available evidence is currently insufficient to determine the role of this variant in disease. Therefore, it has been classified as a Variant of Uncertain Significance.

Literature cited by the submitters: PubMed 31054490.

NM_001330260.2(SCN8A):c.83G>A (p.Arg28His)

Genes: SCN8A (sodium voltage-gated channel alpha subunit 8; plus strand), LOC114803470 (SCN8A eExon liver enhancer; plus strand). Cytogenetic location: 12q13.13.
Variant type: single nucleotide variant.
Coding change: c.83G>A on transcript NM_001330260.2 (MANE Select); coding-DNA position 83, G replaced by A.
Protein change: p.Arg28His; replaces arginine 28 with histidine.
Molecular consequence: missense variant.
Genome position (GRCh38, 1-based): chr12:51,662,900, G>A. VCF-style: chr12-51662900-G-A. GRCh37 (hg19) VCF-style: chr12-52056684-G-A.
Other names: c.83G>A, p.Arg28His (NM_001177984.3, NM_001369788.1, NM_014191.4); short protein forms R28H.
Identifiers: ClinVar variation 1407272 (VCV001407272.7), dbSNP rs531796685, ClinGen allele CA6570993.